The following is an entry in ClinVar:

NM_139057.4(ADAMTS17):c.*498A>C

Gene: ADAMTS17 (ADAM metallopeptidase with thrombospondin type 1 motif 17; minus strand). Cytogenetic location: 15q26.3.
Variant type: single nucleotide variant.
Coding change: c.*498A>C on transcript NM_139057.4 (MANE Select); 498 bases downstream of the stop codon, A replaced by C.
Molecular consequence: 3 prime UTR variant.
Genome position (GRCh38, 1-based): chr15:99,973,904, T>G on the plus strand (A>C on the coding strand, the complement: ADAMTS17 is on the minus strand). VCF-style: chr15-99973904-T-G. GRCh37 (hg19) VCF-style: chr15-100514109-T-G.
Identifiers: ClinVar variation 315225 (VCV000315225.6), dbSNP rs2573651, ClinGen allele CA10646886.

ClinVar aggregate classification (germline): Benign. Review status: criteria provided, multiple submitters, no conflicts (2 of 4 stars). 2 submissions from 2 submitters: Benign (2). Last evaluated 2018-01-12.

Conditions:
Weill-Marchesani 4 syndrome, recessive. Also called: Weill-Marchesani syndrome 4. Identifiers: Orphanet 363992, MedGen C2750787, MONDO:0013176, OMIM 613195.

Allele frequency attached by ClinVar (database versions not stated): 1000 Genomes Project 0.59385; 1000 Genomes Project 30x 0.59963; TOPMed 0.62375.
gnomAD v4.1: 138,445 of 225,480 alleles (61%); highest among the groups gnomAD compares: Non-Finnish European, 63%; 43,408 homozygotes.

Submissions (2):

Illumina Laboratory Services, Illumina
Classification: Benign for Weill-Marchesani 4 syndrome, recessive. Last evaluated: 2018-01-12. Review status: criteria provided, single submitter. Criteria: ICSL Variant Classification Criteria 13 December 2019. Collection method: clinical testing. Allele origin: germline.
Comment: This variant was observed in the ICSL laboratory as part of a predisposition screen in an ostensibly healthy population. It had not been previously curated by ICSL or reported in the Human Gene Mutation Database (HGMD: prior to June 1st, 2018), and was therefore a candidate for classification through an automated scoring system. Utilizing variant allele frequency, disease prevalence and penetrance estimates, and inheritance mode, an automated score was calculated to assess if this variant is too frequent to cause the disease. Based on the score and internal cut-off values, a variant classified as benign is not then subjected to further curation. The score for this variant resulted in a classification of benign for this disease.

Breakthrough Genomics
Classification: Benign. Review status: criteria provided, single submitter. Criteria: ACMG Guidelines, 2015. Collection method: not provided. Allele origin: germline. Inheritance: Autosomal recessive inheritance. Affected: yes.